The following is an entry in ClinVar:

ClinVar aggregate classification (germline): Conflicting classifications of pathogenicity. Review status: criteria provided, conflicting classifications (1 of 4 stars). 13 submissions from 13 submitters: Uncertain significance (3); Benign (1); Likely benign (6). 3 of the submissions do not count toward it. Last evaluated 2026-02-02.

Conditions:
Inborn genetic diseases. Identifiers: MedGen C0950123, MeSH D030342.
Nemaline myopathy 2 (NEM2). Also called: Nemaline myopathy 2, autosomal recessive. Identifiers: MedGen C1850569, MONDO:0009725, OMIM 256030.

Allele frequency attached by ClinVar (database versions not stated): 1000 Genomes Project 30x 0.00016; 1000 Genomes Project 0.00020; ESP Exome Variant Server 0.00058; gnomAD 0.00066 and 0.00069; TOPMed 0.00076.
gnomAD v4.1: 1,156 of 1,613,982 alleles (0.072%); highest among the groups gnomAD compares: Middle Eastern, 0.46%; 4 homozygotes.

Submissions (13):

Labcorp Genetics (formerly Invitae), Labcorp
Classification: Benign for Nemaline myopathy 2. Last evaluated: 2026-02-02. Review status: criteria provided, single submitter. Criteria: Invitae Variant Classification Sherloc (09022015). Collection method: clinical testing. Allele origin: germline.

CeGaT Center for Human Genetics Tuebingen
Classification: Likely benign. Last evaluated: 2025-05-01. Review status: criteria provided, single submitter. Criteria: CeGaT Center For Human Genetics Tuebingen Variant Classification Criteria Version 2. Collection method: clinical testing. Allele origin: germline. Affected: yes. Observed: 10 variant alleles.
Comment: NEB: BP4, BP7

Blueprint Genetics
Classification: Likely benign. Last evaluated: 2024-11-25. Review status: criteria provided, single submitter. Criteria: ACMG Guidelines, 2015. Collection method: clinical testing. Allele origin: germline.

Ambry Genetics
Classification: Likely benign for Inborn genetic diseases. Last evaluated: 2023-05-23. Review status: criteria provided, single submitter. Criteria: Ambry Variant Classification Scheme 2023. Collection method: clinical testing. Allele origin: germline.

GeneDx
Classification: Likely benign. Last evaluated: 2020-11-19. Review status: criteria provided, single submitter. Criteria: GeneDx Variant Classification Process June 2021. Collection method: clinical testing. Allele origin: germline. Affected: yes.
Comment: This variant is associated with the following publications: (PMID: 32403337)

Athena Diagnostics
Classification: Likely benign. Last evaluated: 2018-03-15. Review status: criteria provided, single submitter. Criteria: Athena Diagnostics Criteria. Collection method: clinical testing. Allele origin: germline.

Illumina Laboratory Services, Illumina
Classification: Uncertain significance for Nemaline myopathy 2. Last evaluated: 2018-01-13. Review status: criteria provided, single submitter. Criteria: ICSL Variant Classification Criteria 13 December 2019. Collection method: clinical testing. Allele origin: germline.

Genetic Services Laboratory, University of Chicago
Classification: Uncertain significance. Last evaluated: 2014-11-04. Review status: criteria provided, single submitter. Criteria: ACMG Guidelines, 2015. Collection method: clinical testing. Allele origin: germline.

Eurofins Ntd Llc (ga)
Classification: Uncertain significance. Last evaluated: 2013-10-29. Review status: criteria provided, single submitter. Criteria: EGL Classification Definitions 2015. Collection method: clinical testing. Allele origin: germline. Observed: 3 variant alleles, 3 heterozygotes.

PreventionGenetics, part of Exact Sciences
Classification: Likely benign. Review status: criteria provided, single submitter. Criteria: ACMG Guidelines, 2015. Collection method: clinical testing. Allele origin: germline.

Natera, Inc.
Classification: Likely benign for Nemaline myopathy type 2. Last evaluated: 2020-01-12. Review status: no assertion criteria provided. Collection method: clinical testing. Allele origin: germline. Not counted in ClinVar's aggregate classification.

Clinical Genetics DNA and cytogenetics Diagnostics Lab, Erasmus MC, Erasmus Medical Center
Classification: Likely benign. Review status: no assertion criteria provided. Collection method: clinical testing. Allele origin: germline. Affected: yes. Study: VKGL Data-share Consensus. Not counted in ClinVar's aggregate classification.

Genome Diagnostics Laboratory, University Medical Center Utrecht
Classification: Likely benign. Review status: no assertion criteria provided. Collection method: clinical testing. Allele origin: germline. Affected: yes. Study: VKGL Data-share Consensus. Not counted in ClinVar's aggregate classification.

NM_001164508.2(NEB):c.25038A>G (p.Gln8346=)

Genes: NEB (nebulin; minus strand), RIF1 (replication timing regulatory factor 1; plus strand). Cytogenetic location: 2q23.3.
Variant type: single nucleotide variant.
Coding change: c.25038A>G on transcript NM_001164508.2 (MANE Select); coding-DNA position 25038, A replaced by G.
Protein change: p.Gln8346=; no amino-acid change (glutamine 8346 retained).
Molecular consequence: synonymous variant.
Genome position (GRCh38, 1-based): chr2:151,492,117, T>C on the plus strand (A>G on the coding strand, the complement: NEB is on the minus strand). VCF-style: chr2-151492117-T-C. GRCh37 (hg19) VCF-style: chr2-152348631-T-C.
Other names: c.25038A>G, p.Gln8346= (NM_001164507.2); c.25143A>G, p.Gln8381= (NM_001271208.2); c.19470A>G, p.Gln6490= (NM_004543.5).
Identifiers: ClinVar variation 95124 (VCV000095124.74), dbSNP rs184319249, ClinGen allele CA205427.